The following is an entry in ClinVar:

NM_024666.5(AAGAB):c.473del (p.Gly158fs)

Gene: AAGAB (alpha and gamma adaptin binding protein; minus strand). Cytogenetic location: 15q23.
Variant type: Deletion.
Coding change: c.473del on transcript NM_024666.5 (MANE Select); coding-DNA position 473, one base deleted (G; older notation c.473delG).
Protein change: p.Gly158fs; shifts the reading frame from glycine 158.
Molecular consequence: frameshift variant.
Genome position (GRCh38, 1-based): chr15:67,231,876, C deleted on the plus strand (G on the coding strand, the reverse complement: AAGAB is on the minus strand); the first of 2 consecutive C bases (chr15:67,231,876-67,231,877); deleting either gives the same sequence. VCF-style (leftmost placement, unchanged base first): chr15-67231875-TC-T. GRCh37 (hg19) VCF-style: chr15-67524213-TC-T.
Other names: c.473delG (NM_024666.4); c.146del, p.Gly49fs (NM_001271885.2, NM_001271886.2); short protein forms G158fs, G49fs.
Identifiers: ClinVar variation 39735 (VCV000039735.9), dbSNP rs781596375, ClinGen allele CA7627088.

ClinVar aggregate classification (germline): Pathogenic. Review status: criteria provided, multiple submitters, no conflicts (2 of 4 stars). 3 submissions from 3 submitters: Pathogenic (2). 1 of the submissions does not count toward it. Last evaluated 2024-01-10.

Conditions:
Palmoplantar keratoderma, punctate type 1A (PPKP1A). Also called: PALMOPLANTAR KERATODERMA, PUNCTATE TYPE IA. Identifiers: Orphanet 79501, MedGen CN031225, MONDO:0007858, OMIM 148600.

Submissions (3):

Fulgent Genetics
Classification: Pathogenic for Palmoplantar keratoderma, punctate type 1A. Last evaluated: 2024-01-10. Review status: criteria provided, single submitter. Criteria: ACMG Guidelines, 2015. Collection method: clinical testing. Allele origin: germline.

Labcorp Genetics (formerly Invitae), Labcorp
Classification: Pathogenic. Last evaluated: 2023-08-18. Review status: criteria provided, single submitter. Criteria: Invitae Variant Classification Sherloc (09022015). Collection method: clinical testing. Allele origin: germline.
Comment: This premature translational stop signal has been observed in individual(s) with punctate palmoplantar keratoderma (PMID: 23064416, 31526046). This variant is not present in population databases (gnomAD no frequency). This sequence change creates a premature translational stop signal (p.Gly158Glufs*2) in the AAGAB gene. It is expected to result in an absent or disrupted protein product. Loss-of-function variants in AAGAB are known to be pathogenic (PMID: 23000146, 23064416, 23563198, 23633024, 24390136). ClinVar contains an entry for this variant (Variation ID: 39735). For these reasons, this variant has been classified as Pathogenic.

OMIM
Classification: Pathogenic for PALMOPLANTAR KERATODERMA, PUNCTATE TYPE IA. Last evaluated: 2012-11-01. Review status: no assertion criteria provided. Collection method: literature only. Allele origin: germline. Not counted in ClinVar's aggregate classification.

Literature cited by the submitters: PubMed 23064416 (cited by Labcorp Genetics (formerly Invitae), Labcorp and OMIM); PubMed 31526046 (cited by Labcorp Genetics (formerly Invitae), Labcorp); PubMed 23000146 (cited by Labcorp Genetics (formerly Invitae), Labcorp); PubMed 23563198 (cited by Labcorp Genetics (formerly Invitae), Labcorp); PubMed 23633024 (cited by Labcorp Genetics (formerly Invitae), Labcorp); PubMed 24390136 (cited by Labcorp Genetics (formerly Invitae), Labcorp).